The following is an entry in ClinVar:

NM_005506.4(SCARB2):c.1188-11del

Gene: SCARB2 (scavenger receptor class B member 2; minus strand). Cytogenetic location: 4q21.1.
Variant type: Deletion.
Coding change: c.1188-11del on transcript NM_005506.4 (MANE Select); 11 bases into the intron before coding-DNA position 1188, one base deleted (T; older notation c.1188-11delT).
Molecular consequence: intron variant.
Genome position (GRCh38, 1-based): chr4:76,166,312, A deleted on the plus strand (T on the coding strand, the reverse complement: SCARB2 is on the minus strand); the first of 3 consecutive A bases (chr4:76,166,312-76,166,314); deleting any one gives the same sequence. VCF-style (leftmost placement, unchanged base first): chr4-76166311-CA-C. GRCh37 (hg19) VCF-style: chr4-77087464-CA-C.
Other names: c.759-11del (NM_001204255.2).
Identifiers: ClinVar variation 418469 (VCV000418469.14), dbSNP rs796052945, ClinGen allele CA317057.

ClinVar aggregate classification (germline): Likely benign. Review status: criteria provided, multiple submitters, no conflicts (2 of 4 stars). 3 submissions from 3 submitters: Likely benign (3). Last evaluated 2026-01-28.

Conditions:
Progressive myoclonic epilepsy. Also called: Myoclonic Epilepsies, Progressive; Familial progressive myoclonic epilepsy; Progressive myoclonus epilepsy; Myoclonus epilepsy. Identifiers: Orphanet 308, Orphanet 98261, MedGen C0751778, MONDO:0020074.

Submissions (3):

Labcorp Genetics (formerly Invitae), Labcorp
Classification: Likely benign for Progressive myoclonic epilepsy. Last evaluated: 2026-01-28. Review status: criteria provided, single submitter. Criteria: Invitae Variant Classification Sherloc (09022015). Collection method: clinical testing. Allele origin: germline.

Blueprint Genetics
Classification: Likely benign. Last evaluated: 2024-11-15. Review status: criteria provided, single submitter. Criteria: ACMG Guidelines, 2015. Collection method: clinical testing. Allele origin: germline.

GeneDx
Classification: Likely benign. Last evaluated: 2023-02-21. Review status: criteria provided, single submitter. Criteria: GeneDx Variant Classification Process June 2021. Collection method: clinical testing. Allele origin: germline. Affected: yes.
Comment: See Variant Classification Assertion Criteria.